The following is an entry in ClinVar:

ClinVar aggregate classification (germline): Uncertain significance (1 of 4 stars; one submission).

Allele frequency attached by ClinVar (database versions not stated): gnomAD exomes below 0.00001.
gnomAD v4.1: 2 of 1,612,488 alleles (0.00012%); highest among the groups gnomAD compares: Non-Finnish European, 0.00017%; no homozygotes.

Submission:

GeneDx
Classification: Uncertain significance. Last evaluated: 2019-07-15. Review status: criteria provided, single submitter. Criteria: GeneDx Variant Classification Process June 2021. Collection method: clinical testing. Allele origin: germline. Affected: yes.
Comment: Has not been previously published as pathogenic or benign to our knowledge; Not observed in large population cohorts (Lek et al., 2016); In silico analysis, which includes protein predictors and evolutionary conservation, supports that this variant does not alter protein structure/function

NM_003036.4(SKI):c.1238C>T (p.Thr413Ile)

Gene: SKI (SKI proto-oncogene; plus strand). Cytogenetic location: 1p36.32.
Variant type: single nucleotide variant.
Coding change: c.1238C>T on transcript NM_003036.4 (MANE Select); coding-DNA position 1238, C replaced by T.
Protein change: p.Thr413Ile; replaces threonine 413 with isoleucine.
Molecular consequence: missense variant.
Genome position (GRCh38, 1-based): chr1:2,303,866, C>T. VCF-style: chr1-2303866-C-T. GRCh37 (hg19) VCF-style: chr1-2235305-C-T.
Other names: short protein forms T413I.
Identifiers: ClinVar variation 1307172 (VCV001307172.2), dbSNP rs2100918212, ClinGen allele CA337954834.